The following is an entry in ClinVar:

ClinVar aggregate classification (germline): Uncertain significance (1 of 4 stars; one submission).

Conditions:
Peroxisome biogenesis disorder 7A (Zellweger). Also called: Peroxisome biogenesis disorder 7A. Identifiers: Orphanet 912, MedGen C3888385, MONDO:0013938, OMIM 614872.
Peroxisome biogenesis disorder 7B (PBD7B). Identifiers: Orphanet 44, MedGen C3553951, MONDO:0013939, OMIM 614873.

gnomAD v4.1: 1 of 1,610,346 alleles (0.000062%); highest among the groups gnomAD compares: Non-Finnish European, 0.000085%; no homozygotes.

Submission:

Labcorp Genetics (formerly Invitae), Labcorp
Classification: Uncertain significance for Peroxisome biogenesis disorder 7A (Zellweger); Peroxisome biogenesis disorder 7B. Last evaluated: 2022-09-01. Review status: criteria provided, single submitter. Criteria: Invitae Variant Classification Sherloc (09022015). Collection method: clinical testing. Allele origin: germline.
Comment: This sequence change replaces arginine, which is basic and polar, with glycine, which is neutral and non-polar, at codon 302 of the PEX26 protein (p.Arg302Gly). This variant is present in population databases (rs539155271, gnomAD 0.0009%). This variant has not been reported in the literature in individuals affected with PEX26-related conditions. Algorithms developed to predict the effect of missense changes on protein structure and function (SIFT, PolyPhen-2, Align-GVGD) all suggest that this variant is likely to be tolerated. In summary, the available evidence is currently insufficient to determine the role of this variant in disease. Therefore, it has been classified as a Variant of Uncertain Significance.

NM_001127649.3(PEX26):c.904C>G (p.Arg302Gly)

Gene: PEX26 (peroxisomal biogenesis factor 26; plus strand). Cytogenetic location: 22q11.21.
Variant type: single nucleotide variant.
Coding change: c.904C>G on transcript NM_001127649.3 (MANE Select); coding-DNA position 904, C replaced by G.
Protein change: p.Arg302Gly; replaces arginine 302 with glycine.
Molecular consequence: missense variant.
Genome position (GRCh38, 1-based): chr22:18,088,061, C>G. VCF-style: chr22-18088061-C-G. GRCh37 (hg19) VCF-style: chr22-18570827-C-G.
Other names: c.757C>G, p.Arg253Gly (NM_001199319.2); c.904C>G, p.Arg302Gly (NM_017929.6); short protein forms R253G, R302G.
Identifiers: ClinVar variation 2416370 (VCV002416370.3), dbSNP rs539155271, ClinGen allele CA10093449.
Genomic context (GRCh38, chr22:18,088,061, plus strand): 5'-AAGCTGGCCCAGCTCTTCCGCTGGATCCGGAAGGCTGCATTTTCTCGCCTCTACCAGCTC[C>G]GCATCCGTGACTGAGGGTCCCTGCGCACCACAGCCTCTCTGCTCCTCACGTCCGTGGCCA-3'
Protein context (NP_001121121.1, residues 292-305): KAAFSRLYQL[Arg302Gly]IRD